The following is an entry in ClinVar:

NM_000214.3(JAG1):c.1517T>G (p.Ile506Ser)

Gene: JAG1 (jagged canonical Notch ligand 1; minus strand). Cytogenetic location: 20p12.2.
Variant type: single nucleotide variant.
Coding change: c.1517T>G on transcript NM_000214.3 (MANE Select); coding-DNA position 1517, T replaced by G.
Protein change: p.Ile506Ser; replaces isoleucine 506 with serine.
Molecular consequence: missense variant.
Genome position (GRCh38, 1-based): chr20:10,648,601, A>C on the plus strand (T>G on the coding strand, the complement: JAG1 is on the minus strand). VCF-style: chr20-10648601-A-C. GRCh37 (hg19) VCF-style: chr20-10629249-A-C.
Other names: c.1517T>G (NM_000214.2); short protein forms I506S.
Identifiers: ClinVar variation 2001221 (VCV002001221.6), dbSNP rs2514517173, ClinGen allele CA408237603.

ClinVar aggregate classification (germline): Uncertain significance. Review status: criteria provided, multiple submitters, no conflicts (2 of 4 stars). 3 submissions from 3 submitters: Uncertain significance (3). Last evaluated 2025-10-16.

Conditions:
Alagille syndrome due to a JAG1 point mutation. Also called: HEPATIC DUCTULAR HYPOPLASIA, SYNDROMATIC; JAG1-Related Alagille Syndrome; Alagille Syndrome 1. Identifiers: Orphanet 261619, Orphanet 52, MedGen C1956125, MONDO:0016862, OMIM 118450.
Cardiovascular phenotype. Identifiers: MedGen CN230736.

Allele frequency attached by ClinVar (database versions not stated): gnomAD exomes below 0.00001.
gnomAD v4.1: 1 of 1,614,118 alleles (0.000062%); highest among the groups gnomAD compares: Non-Finnish European, 0.000085%; no homozygotes.

Submissions (3):

Labcorp Genetics (formerly Invitae), Labcorp
Classification: Uncertain significance for Alagille syndrome due to a JAG1 point mutation. Last evaluated: 2025-10-16. Review status: criteria provided, single submitter. Criteria: Invitae Variant Classification Sherloc (09022015). Collection method: clinical testing. Allele origin: germline.
Comment: This sequence change replaces isoleucine, which is neutral and non-polar, with serine, which is neutral and polar, at codon 506 of the JAG1 protein (p.Ile506Ser). This variant is not present in population databases (gnomAD no frequency). This variant has not been reported in the literature in individuals affected with JAG1-related conditions. ClinVar contains an entry for this variant (Variation ID: 2001221). Invitae Evidence Modeling of protein sequence and biophysical properties (such as structural, functional, and spatial information, amino acid conservation, physicochemical variation, residue mobility, and thermodynamic stability) indicates that this missense variant is not expected to disrupt JAG1 protein function with a negative predictive value of 95%. In summary, the available evidence is currently insufficient to determine the role of this variant in disease. Therefore, it has been classified as a Variant of Uncertain Significance.

Ambry Genetics
Classification: Uncertain significance for Cardiovascular phenotype. Last evaluated: 2025-01-27. Review status: criteria provided, single submitter. Criteria: Ambry Variant Classification Scheme 2023. Collection method: clinical testing. Allele origin: germline.

Blueprint Genetics
Classification: Uncertain significance. Last evaluated: 2023-08-23. Review status: criteria provided, single submitter. Criteria: ACMG Guidelines, 2015. Collection method: clinical testing. Allele origin: germline.